The following is an entry in ClinVar:

NM_016103.4(SAR1B):c.263A>G (p.Asn88Ser)

Gene: SAR1B (secretion associated Ras related GTPase 1B; minus strand). Cytogenetic location: 5q31.1.
Variant type: single nucleotide variant.
Coding change: c.263A>G on transcript NM_016103.4 (MANE Select); coding-DNA position 263, A replaced by G.
Protein change: p.Asn88Ser; replaces asparagine 88 with serine.
Molecular consequence: missense variant.
Genome position (GRCh38, 1-based): chr5:134,609,656, T>C on the plus strand (A>G on the coding strand, the complement: SAR1B is on the minus strand). VCF-style: chr5-134609656-T-C. GRCh37 (hg19) VCF-style: chr5-133945346-T-C.
Other names: c.263A>G, p.Asn88Ser (NM_001033503.3); short protein forms N88S.
Identifiers: ClinVar variation 1460845 (VCV001460845.6), dbSNP rs1244961703, ClinGen allele CA361000558.
Genomic context (GRCh38, chr5:134,609,656, plus strand): 5'-AGCCTTTCGTGGTCTGCACAATCCACCAGAAATACAATGCCATTGATAGCAGGAAGGTAG[T>C]TTTTCCACACTCTTCGAGCTAACAAAAACAATCAGGGGTTAGAGTTTACTTGTTGGTCAA-3'
Protein context (NP_057187.1, residues 78-98): GHVQARRVWK[Asn88Ser]YLPAINGIVF

ClinVar aggregate classification (germline): Uncertain significance (1 of 4 stars; one submission).

Allele frequency attached by ClinVar (database versions not stated): gnomAD exomes 0.00001 and 0.00002; TOPMed 0.00011; gnomAD 0.00012 and 0.00013.
gnomAD v4.1: 25 of 1,613,928 alleles (0.0015%); highest among the groups gnomAD compares: Admixed American, 0.042%; no homozygotes.

Submission:

Labcorp Genetics (formerly Invitae), Labcorp
Classification: Uncertain significance. Last evaluated: 2021-10-13. Review status: criteria provided, single submitter. Criteria: Invitae Variant Classification Sherloc (09022015). Collection method: clinical testing. Allele origin: germline.
Comment: Algorithms developed to predict the effect of missense changes on protein structure and function are either unavailable or do not agree on the potential impact of this missense change (SIFT: "Deleterious"; PolyPhen-2: "Benign"; Align-GVGD: "Class C15"). In summary, the available evidence is currently insufficient to determine the role of this variant in disease. Therefore, it has been classified as a Variant of Uncertain Significance. This variant has not been reported in the literature in individuals affected with SAR1B-related conditions. This sequence change replaces asparagine with serine at codon 88 of the SAR1B protein (p.Asn88Ser). The asparagine residue is moderately conserved and there is a small physicochemical difference between asparagine and serine. This variant is not present in population databases (ExAC no frequency).